The following is an entry in ClinVar:

ClinVar aggregate classification (germline): Conflicting classifications of pathogenicity. Review status: criteria provided, conflicting classifications (1 of 4 stars). 4 submissions from 4 submitters: Uncertain significance (1); Benign (1); Likely benign (2). Last evaluated 2026-08-19.

Conditions:
PNPT1-related disorder. Also called: PNPT1-related condition; PNPT1-related disorders.

Allele frequency attached by ClinVar (database versions not stated): TOPMed 0.00004; gnomAD 0.00022; ExAC 0.00080; 1000 Genomes Project 0.00160; 1000 Genomes Project 30x 0.00172.
gnomAD v4.1: 357 of 1,572,322 alleles (0.023%); highest among the groups gnomAD compares: South Asian, 0.41%; 7 homozygotes.

Submissions (4):

PreventionGenetics, part of Exact Sciences
Classification: Likely benign for PNPT1-related condition. Last evaluated: 2026-08-19. Review status: criteria provided, single submitter. Criteria: ACMG Guidelines, 2015. Collection method: clinical testing. Allele origin: germline.
Comment: This variant is classified as likely benign based on ACMG/AMP sequence variant interpretation guidelines (Richards et al. 2015 PMID: 25741868, with internal and published modifications).

Labcorp Genetics (formerly Invitae), Labcorp
Classification: Benign. Last evaluated: 2026-01-12. Review status: criteria provided, single submitter. Criteria: Invitae Variant Classification Sherloc (09022015). Collection method: clinical testing. Allele origin: germline.

GeneDx
Classification: Likely benign. Last evaluated: 2021-04-01. Review status: criteria provided, single submitter. Criteria: GeneDx Variant Classification Process June 2021. Collection method: clinical testing. Allele origin: germline. Affected: yes.

Revvity Omics, Revvity
Classification: Uncertain significance. Last evaluated: 2019-03-18. Review status: criteria provided, single submitter. Criteria: ACMG Guidelines, 2015. Collection method: clinical testing. Allele origin: germline.

NM_033109.5(PNPT1):c.1231G>A (p.Val411Ile)

Gene: PNPT1 (polyribonucleotide nucleotidyltransferase 1; minus strand). Cytogenetic location: 2p16.1.
Variant type: single nucleotide variant.
Coding change: c.1231G>A on transcript NM_033109.5 (MANE Select); coding-DNA position 1231, G replaced by A.
Protein change: p.Val411Ile; replaces valine 411 with isoleucine.
Molecular consequence: missense variant.
Genome position (GRCh38, 1-based): chr2:55,661,972, C>T on the plus strand (G>A on the coding strand, the complement: PNPT1 is on the minus strand). VCF-style: chr2-55661972-C-T. GRCh37 (hg19) VCF-style: chr2-55889107-C-T.
Other names: short protein forms V411I.
Identifiers: ClinVar variation 1219500 (VCV001219500.15), dbSNP rs551750608, ClinGen allele CA1668192.